The following is an entry in ClinVar:

NM_001080421.3(UNC13A):c.1622T>C (p.Leu541Pro)

Gene: UNC13A (unc-13 homolog A; minus strand). Cytogenetic location: 19p13.11.
Variant type: single nucleotide variant.
Coding change: c.1622T>C on transcript NM_001080421.3 (MANE Select); coding-DNA position 1622, T replaced by C.
Protein change: p.Leu541Pro; replaces leucine 541 with proline.
Molecular consequence: missense variant.
Genome position (GRCh38, 1-based): chr19:17,648,625, A>G on the plus strand (T>C on the coding strand, the complement: UNC13A is on the minus strand). VCF-style: chr19-17648625-A-G. GRCh37 (hg19) VCF-style: chr19-17759434-A-G.
Other names: c.1616T>C, p.Leu539Pro (NM_001387021.1, NM_001387022.1, NM_001387023.1); short protein forms L539P, L541P.
Identifiers: ClinVar variation 1804597 (VCV001804597.1), dbSNP rs2513075745, ClinGen allele CA404728044.

ClinVar aggregate classification (germline): Uncertain significance (1 of 4 stars; one submission).

Submission:

GeneDx
Classification: Uncertain significance. Last evaluated: 2022-01-06. Review status: criteria provided, single submitter. Criteria: GeneDx Variant Classification Process June 2021. Collection method: clinical testing. Allele origin: germline. Affected: yes.
Comment: In silico analysis supports that this missense variant has a deleterious effect on protein structure/function; Not observed at significant frequency in large population cohorts (gnomAD); Has not been previously published as pathogenic or benign to our knowledge; Variants in candidate genes are classified as variants of uncertain significance in accordance with ACMG guidelines (Richards et al., 2015)